The following is an entry in ClinVar:

ClinVar aggregate classification (germline): Benign. Review status: criteria provided, multiple submitters, no conflicts (2 of 4 stars). 4 submissions from 4 submitters: Benign (3). 1 of the submissions does not count toward it. Last evaluated 2026-04-01.

Conditions:
LSS-related disorder. Also called: LSS-related condition.

Allele frequency attached by ClinVar (database versions not stated): ESP Exome Variant Server 0.00246; gnomAD 0.00303 and 0.00347; TOPMed 0.00312; gnomAD exomes 0.00444 and 0.00446; ExAC 0.00453; 1000 Genomes Project 0.00599; 1000 Genomes Project 30x 0.00656.

Submissions (4):

CeGaT Center for Human Genetics Tuebingen
Classification: Benign. Last evaluated: 2026-04-01. Review status: criteria provided, single submitter. Criteria: CeGaT Center For Human Genetics Tuebingen Variant Classification Criteria Version 2. Collection method: clinical testing. Allele origin: germline. Affected: yes. Observed: 14 variant alleles.
Comment: LSS: BP4, BP7, BS1, BS2

Labcorp Genetics (formerly Invitae), Labcorp
Classification: Benign. Last evaluated: 2025-10-23. Review status: criteria provided, single submitter. Criteria: Invitae Variant Classification Sherloc (09022015). Collection method: clinical testing. Allele origin: germline.

Breakthrough Genomics
Classification: Benign. Review status: criteria provided, single submitter. Criteria: ACMG Guidelines, 2015. Collection method: not provided. Allele origin: germline. Inheritance: Autosomal recessive inheritance. Affected: yes.

PreventionGenetics, part of Exact Sciences
Classification: Benign for LSS-related condition. Last evaluated: 2019-07-30. Review status: no assertion criteria provided. Collection method: clinical testing. Allele origin: germline. Not counted in ClinVar's aggregate classification.
Comment: This variant is classified as benign based on ACMG/AMP sequence variant interpretation guidelines (Richards et al. 2015 PMID: 25741868, with internal and published modifications).

NM_002340.6(LSS):c.1548C>T (p.Asn516=)

Gene: LSS (lanosterol synthase; minus strand). Cytogenetic location: 21q22.3.
Variant type: single nucleotide variant.
Coding change: c.1548C>T on transcript NM_002340.6 (MANE Select); coding-DNA position 1548, C replaced by T.
Protein change: p.Asn516=; no amino-acid change (asparagine 516 retained).
Molecular consequence: synonymous variant.
Genome position (GRCh38, 1-based): chr21:46,206,688, G>A on the plus strand (C>T on the coding strand, the complement: LSS is on the minus strand). VCF-style: chr21-46206688-G-A. GRCh37 (hg19) VCF-style: chr21-47626602-G-A.
Other names: c.1548C>T, p.Asn516= (NM_001001438.3); c.1515C>T, p.Asn505= (NM_001145436.2); c.1308C>T, p.Asn436= (NM_001145437.2).
Identifiers: ClinVar variation 775445 (VCV000775445.34), dbSNP rs111779817, ClinGen allele CA10074963.
Genomic context (GRCh38, chr21:46,206,688, plus strand): 5'-GCCAGCCCCGGGTTTGCGCGCCGCAGTGCTGGCCGACCACTCACCGAAGACCTCCGAGGG[G>A]TTCAGCAGCTCCAGCAAGTGCCCCCCACGCTTGGTCTCATAGGTGGCGAACCCTCCATCT-3'
Protein context (NP_002331.3, residues 506-526): KRGGHLLELL[Asn516=]PSEVFGDIMI